The following is an entry in ClinVar:

NM_007294.4(BRCA1):c.133_134delAA (p.Lys45fs)

Gene: BRCA1 (BRCA1 DNA repair associated; minus strand). Cytogenetic location: 17q21.31.
Variant type: Deletion.
Coding change: c.133_134delAA on transcript NM_007294.4 (MANE Select); coding-DNA positions 133 to 134, 2 bases deleted (AA).
Protein change: p.Lys45fs; shifts the reading frame from lysine 45.
Molecular consequence: frameshift variant. On other transcripts: non-coding transcript variant (1), intron variant (1).
Genome position (GRCh38, 1-based): chr17:43,115,726-43,115,727, TT deleted on the plus strand (AA on the coding strand, the reverse complement: BRCA1 is on the minus strand). VCF-style (leftmost placement, unchanged base first): chr17-43115725-CTT-C. GRCh37 (hg19) VCF-style: chr17-41267742-CTT-C.
Other names: c.133_134+0delAA (NM_007294.3); c.133_134delAA, p.Lys45fs (NM_007299.4, NM_007300.4); c.-8+8290_-8+8291del (NM_007297.4); c.133_134del (NM_007294.4); short protein forms K45fs.
Identifiers: ClinVar variation 54208 (VCV000054208.26), dbSNP rs397508857, ClinGen allele CA000867.

ClinVar aggregate classification (germline): Pathogenic. Review status: reviewed by expert panel (3 of 4 stars). 7 submissions from 7 submitters: Pathogenic (1). 6 of the submissions do not count toward it. Last evaluated 2016-09-08.

Conditions:
Hereditary cancer-predisposing syndrome. Also called: Tumor predisposition; Neoplastic Syndromes, Hereditary; Hereditary Cancer Syndrome; Hereditary neoplastic syndrome. Identifiers: Orphanet 140162, MedGen C0027672, MeSH D009386, MONDO:0015356.
Hereditary breast ovarian cancer syndrome. Also called: Hereditary breast and ovarian cancer syndrome (HBOC); Hereditary breast and ovarian cancer syndrome; Hereditary breast and ovarian cancer; Hereditary breast and/or ovarian cancer syndrome; Breast and ovarian cancer; BRCA1- and BRCA2-Associated Hereditary Breast and Ovarian Cancer. Identifiers: Orphanet 145, MedGen C0677776, MeSH D061325, MONDO:0003582. Disease mechanism: loss of function.
Breast-ovarian cancer, familial, susceptibility to, 1 (BROVCA1). Also called: OVARIAN CANCER, SUSCEPTIBILITY TO; BRCA1 Hereditary Breast and Ovarian Cancer. Identifiers: Orphanet 145, MedGen C2676676, MONDO:0011450, OMIM 604370. Disease mechanism: loss of function.

Submissions (7):

Evidence-based Network for the Interpretation of Germline Mutant Alleles (ENIGMA)
Classification: Pathogenic for Breast-ovarian cancer, familial, susceptibility to, 1. Last evaluated: 2016-09-08. Review status: reviewed by expert panel. Criteria: ENIGMA BRCA1/2 Classification Criteria (2015). Collection method: curation. Allele origin: germline.
Comment: Variant allele predicted to encode a truncated non-functional protein.

Ambry Genetics
Classification: Pathogenic for Hereditary cancer-predisposing syndrome. Last evaluated: 2026-05-04. Review status: criteria provided, single submitter. Criteria: Ambry Variant Classification Scheme 2023. Collection method: clinical testing. Allele origin: germline. Not counted in ClinVar's aggregate classification.
Comment: The c.133_134delAA pathogenic mutation, located in coding exon 2 of the BRCA1 gene, results from a deletion of two nucleotides at nucleotide positions 133 to 134, causing a translational frameshift with a predicted alternate stop codon (p.K45Ifs*20). This alteration has been reported in multiple hereditary breast and/or ovarian cancer cohorts (Couch FJ et al. N. Engl. J. Med., 1997 May;336:1409-15; Fackenthal JD et al. Int. J. Cancer, 2012 Sep;131:1114-23; Rebbeck TR et al. Hum. Mutat., 2018 05;39:593-620). Of note, this alteration is also designated as 252delAA in the reported literature. In addition to the clinical data presented in the literature, this alteration is expected to result in loss of function by premature protein truncation or nonsense-mediated mRNA decay. As such, this alteration is interpreted as a disease-causing mutation.

GeneDx
Classification: Pathogenic. Last evaluated: 2024-09-27. Review status: criteria provided, single submitter. Criteria: GeneDx Variant Classification Process June 2021. Collection method: clinical testing. Allele origin: germline. Affected: yes. Not counted in ClinVar's aggregate classification.
Comment: Frameshift variant predicted to result in protein truncation or nonsense mediated decay in a gene for which loss of function is a known mechanism of disease; Not observed at significant frequency in large population cohorts (gnomAD); Truncating variants in this gene are considered pathogenic by a well-established clinical consortium and/or database; Also known as 252_253del or c.252delAA; This variant is associated with the following publications: (PMID: 9145677, 34326862, 34981296, 22034289, 29446198, 30130155)

Color Diagnostics, LLC DBA Color Health
Classification: Pathogenic for Hereditary cancer-predisposing syndrome. Last evaluated: 2024-08-12. Review status: criteria provided, single submitter. Criteria: ACMG Guidelines, 2015. Collection method: clinical testing. Allele origin: germline. Not counted in ClinVar's aggregate classification.
Comment: This variant deletes 2 basepairs in exon 3 of the BRCA1 gene that is predicted to cause a premature termination codon and may trigger nonsense-mediated decay. This variant is also known as 252delAA in the literature. To our knowledge, functional studies have not been performed for this variant. This variant has been reported in an individual affected with breast cancer (PMID: 22034289), a family affected with breast and ovarian cancer (PMID: 9145677) and in a breast cancer case-control study in 5/1136 breast cancer cases and absent in 997 controls (PMID: 30130155). This variant has not been identified in the general population by the Genome Aggregation Database (gnomAD). Loss of BRCA1 function is a known mechanism of disease. Based on the available evidence, this variant is classified as Pathogenic.

Labcorp Genetics (formerly Invitae), Labcorp
Classification: Pathogenic for Hereditary breast ovarian cancer syndrome. Last evaluated: 2024-01-29. Review status: criteria provided, single submitter. Criteria: Invitae Variant Classification Sherloc (09022015). Collection method: clinical testing. Allele origin: germline. Not counted in ClinVar's aggregate classification.
Comment: This sequence change creates a premature translational stop signal (p.Lys45Ilefs*20) in the BRCA1 gene. It is expected to result in an absent or disrupted protein product. Loss-of-function variants in BRCA1 are known to be pathogenic (PMID: 20104584). This variant is not present in population databases (gnomAD no frequency). This premature translational stop signal has been observed in individual(s) with breast and/or ovarian cancer (PMID: 9145677, 22034289). This variant is also known as 252delAA. ClinVar contains an entry for this variant (Variation ID: 54208). RNA analysis performed to evaluate the impact of this premature translational stop signal on mRNA splicing indicates it does not significantly alter splicing (Invitae). For these reasons, this variant has been classified as Pathogenic.

Quest Diagnostics Nichols Institute San Juan Capistrano
Classification: Pathogenic. Last evaluated: 2017-03-04. Review status: criteria provided, single submitter. Criteria: Quest Diagnostics criteria. Collection method: clinical testing. Allele origin: germline. Not counted in ClinVar's aggregate classification.

Consortium of Investigators of Modifiers of BRCA1/2 (CIMBA), c/o University of Cambridge
Classification: Pathogenic for Breast-ovarian cancer, familial, susceptibility to, 1. Last evaluated: 2015-10-02. Review status: criteria provided, single submitter. Criteria: CIMBA Mutation Classification guidelines May 2016. Collection method: clinical testing. Allele origin: germline. Not counted in ClinVar's aggregate classification.

Literature cited by the submitters: PubMed 22034289 (cited by 4 submitters); PubMed 29446198 (cited by Ambry Genetics); PubMed 9145677 (cited by 4 submitters); PubMed 30130155 (cited by Color Diagnostics, LLC DBA Color Health); PubMed 20104584 (cited by Labcorp Genetics (formerly Invitae), Labcorp).